The following is an entry in ClinVar:

ClinVar aggregate classification (germline): Conflicting classifications of pathogenicity. Review status: criteria provided, conflicting classifications (1 of 4 stars). 2 submissions from 2 submitters: Uncertain significance (1); Likely benign (1). Last evaluated 2024-11-27.

Conditions:
Malignant hyperthermia, susceptibility to, 5 (MHS5). Also called: CACNA1S-Related Malignant Hyperthermia Susceptibility. Identifiers: Orphanet 423, MedGen C1866077, MONDO:0011163, OMIM 601887.
Hypokalemic periodic paralysis, type 1. Also called: Hypokalemic Periodic Paralysis Type 1 (AD); HypoPP. Identifiers: Orphanet 681, MedGen C3714580, MONDO:0042979, OMIM 170400.

gnomAD v4.1: 10 of 1,614,010 alleles (0.00062%); highest among the groups gnomAD compares: African/African-American, 0.0027%; no homozygotes.

Submissions (2):

Labcorp Genetics (formerly Invitae), Labcorp
Classification: Likely benign for Hypokalemic periodic paralysis, type 1; Malignant hyperthermia, susceptibility to, 5. Last evaluated: 2024-11-27. Review status: criteria provided, single submitter. Criteria: Invitae Variant Classification Sherloc (09022015). Collection method: clinical testing. Allele origin: germline.

All of Us Research Program, National Institutes of Health
Classification: Uncertain significance for Malignant hyperthermia, susceptibility to, 5. Last evaluated: 2023-02-15. Review status: criteria provided, single submitter. Criteria: ACMG Guidelines, 2015. Collection method: clinical testing. Allele origin: germline. Inheritance: Autosomal dominant inheritance. Observed: 2 variant alleles, 2 heterozygotes.
Comment: This missense variant replaces isoleucine with methionine at codon 837 of the CACNA1S protein. Computational prediction is inconclusive regarding the impact of this variant on protein structure and function (internally defined REVEL score threshold 0.5 < inconclusive < 0.7, PMID: 27666373). To our knowledge, functional studies have not been reported for this variant. This variant has not been reported in individuals affected with malignant hyperthermia in the literature. This variant has been identified in 1/251466 chromosomes in the general population by the Genome Aggregation Database (gnomAD). The available evidence is insufficient to determine the role of this variant in disease conclusively. Therefore, this variant is classified as a Variant of Uncertain Significance.

This study involves interpretation of variants in research participants for the purpose of population health screening. Participant phenotype was not available at the time of variant classification. Additional details can be found in publication PMID: 35346344, PMCID: PMC8962531

NM_000069.3(CACNA1S):c.2511C>G (p.Ile837Met)

Gene: CACNA1S (calcium voltage-gated channel subunit alpha1 S; minus strand). Cytogenetic location: 1q32.1.
Variant type: single nucleotide variant.
Coding change: c.2511C>G on transcript NM_000069.3 (MANE Select); coding-DNA position 2511, C replaced by G.
Protein change: p.Ile837Met; replaces isoleucine 837 with methionine.
Molecular consequence: missense variant.
Genome position (GRCh38, 1-based): chr1:201,069,176, G>C on the plus strand (C>G on the coding strand, the complement: CACNA1S is on the minus strand). VCF-style: chr1-201069176-G-C. GRCh37 (hg19) VCF-style: chr1-201038304-G-C.
Other names: short protein forms I837M.
Identifiers: ClinVar variation 3069324 (VCV003069324.3), dbSNP rs764647345, ClinGen allele CA344105968.
Genomic context (GRCh38, chr1:201,069,176, plus strand): 5'-TGCCCCACAGCCTTCACTCACCTTGAGGACAATCTCCACAGTGAAGACAGAGGTGAACCC[G>C]ATGTCAAAGTGTTTAAGGATCTGGGGACAGGGCAGGGGCGGGAGCAGCCAGTGAGAGGAG-3'
Protein context (NP_000060.2, residues 827-847): MRNQILKHFD[Ile837Met]GFTSVFTVEI